The following is an entry in ClinVar:

ClinVar aggregate classification (germline): Uncertain significance (1 of 4 stars; one submission).

Conditions:
Nephronophthisis 15 (NPHP15). Identifiers: Orphanet 3156, MedGen C3541853, MONDO:0013917, OMIM 614845.

Submission:

Labcorp Genetics (formerly Invitae), Labcorp
Classification: Uncertain significance for Nephronophthisis 15. Last evaluated: 2025-01-27. Review status: criteria provided, single submitter. Criteria: Invitae Variant Classification Sherloc (09022015). Collection method: clinical testing. Allele origin: germline.
Comment: This sequence change replaces lysine, which is basic and polar, with glutamine, which is neutral and polar, at codon 345 of the CEP164 protein (p.Lys345Gln). This variant is not present in population databases (gnomAD no frequency). This variant has not been reported in the literature in individuals affected with CEP164-related conditions. ClinVar contains an entry for this variant (Variation ID: 1714763). An algorithm developed to predict the effect of missense changes on protein structure and function (PolyPhen-2) suggests that this variant is likely to be disruptive. In summary, the available evidence is currently insufficient to determine the role of this variant in disease. Therefore, it has been classified as a Variant of Uncertain Significance.

NM_014956.5(CEP164):c.1033A>C (p.Lys345Gln)

Gene: CEP164 (centrosomal protein 164; plus strand). Cytogenetic location: 11q23.3.
Variant type: single nucleotide variant.
Coding change: c.1033A>C on transcript NM_014956.5 (MANE Select); coding-DNA position 1033, A replaced by C.
Protein change: p.Lys345Gln; replaces lysine 345 with glutamine.
Molecular consequence: missense variant.
Genome position (GRCh38, 1-based): chr11:117,371,347, A>C. VCF-style: chr11-117371347-A-C. GRCh37 (hg19) VCF-style: chr11-117242063-A-C.
Other names: c.1033A>C, p.Lys345Gln (NM_001271933.2); short protein forms K345Q.
Identifiers: ClinVar variation 1714763 (VCV001714763.5), dbSNP rs780835246, ClinGen allele CA382737747.